The following is an entry in ClinVar:

ClinVar aggregate classification (germline): Uncertain significance (1 of 4 stars; one submission).

Conditions:
Orthostatic hypotension 1 (ORTHYP1). Also called: Orthostatic hypotension 1, due to DBH deficiency; Dopamine beta-hydroxylase deficiency; NORADRENALINE DEFICIENCY; NOREPINEPHRINE DEFICIENCY. Identifiers: Orphanet 230, MedGen C4746777, MONDO:0009123, OMIM 223360.

Allele frequency attached by ClinVar (database versions not stated): ExAC 0.00003; gnomAD 0.00005.
gnomAD v4.1: 86 of 1,603,820 alleles (0.0054%); highest among the groups gnomAD compares: Middle Eastern, 0.05%; no homozygotes.

Submission:

Labcorp Genetics (formerly Invitae), Labcorp
Classification: Uncertain significance for Orthostatic hypotension 1. Last evaluated: 2022-04-17. Review status: criteria provided, single submitter. Criteria: Invitae Variant Classification Sherloc (09022015). Collection method: clinical testing. Allele origin: germline.
Comment: This sequence change falls in intron 3 of the DBH gene. It does not directly change the encoded amino acid sequence of the DBH protein. It affects a nucleotide within the consensus splice site. The frequency data for this variant in the population databases is considered unreliable, as metrics indicate poor data quality at this position in the gnomAD database. This variant has not been reported in the literature in individuals affected with DBH-related conditions. Variants that disrupt the consensus splice site are a relatively common cause of aberrant splicing (PMID: 17576681, 9536098). Algorithms developed to predict the effect of sequence changes on RNA splicing suggest that this variant is not likely to affect RNA splicing. In summary, the available evidence is currently insufficient to determine the role of this variant in disease. Therefore, it has been classified as a Variant of Uncertain Significance.

Literature cited by the submitters: PubMed 17576681; PubMed 9536098.

NM_000787.4(DBH):c.744+4C>T

Gene: DBH (dopamine beta-hydroxylase; plus strand). Cytogenetic location: 9q34.2.
Variant type: single nucleotide variant.
Coding change: c.744+4C>T on transcript NM_000787.4 (MANE Select); 4 bases into the intron after coding-DNA position 744, C replaced by T.
Molecular consequence: intron variant.
Genome position (GRCh38, 1-based): chr9:133,642,468, C>T. VCF-style: chr9-133642468-C-T. GRCh37 (hg19) VCF-style: chr9-136507590-C-T.
Identifiers: ClinVar variation 1980054 (VCV001980054.1), dbSNP rs201256789, ClinGen allele CA5313167.